The following is an entry in ClinVar:

ClinVar aggregate classification (germline): Uncertain significance. Review status: criteria provided, multiple submitters, no conflicts (2 of 4 stars). 2 submissions from 2 submitters: Uncertain significance (2). Last evaluated 2022-04-22.

Allele frequency attached by ClinVar (database versions not stated): TOPMed below 0.00001; ExAC 0.00001; gnomAD 0.00001; gnomAD exomes 0.00001.
gnomAD v4.1: 13 of 1,612,788 alleles (0.00081%); highest among the groups gnomAD compares: Non-Finnish European, 0.001%; no homozygotes.

Submissions (2):

Ambry Genetics
Classification: Uncertain significance. Last evaluated: 2022-04-22. Review status: criteria provided, single submitter. Criteria: Ambry Variant Classification Scheme 2023. Collection method: clinical testing. Allele origin: germline.

Labcorp Genetics (formerly Invitae), Labcorp
Classification: Uncertain significance. Last evaluated: 2022-01-19. Review status: criteria provided, single submitter. Criteria: Invitae Variant Classification Sherloc (09022015). Collection method: clinical testing. Allele origin: germline.
Comment: In summary, the available evidence is currently insufficient to determine the role of this variant in disease. Therefore, it has been classified as a Variant of Uncertain Significance. Experimental studies and prediction algorithms are not available or were not evaluated, and the functional significance of this variant is currently unknown. This variant has not been reported in the literature in individuals affected with EXOC6B-related conditions. The frequency data for this variant in the population databases is considered unreliable, as metrics indicate poor data quality at this position in the gnomAD database. This sequence change replaces glutamine, which is neutral and polar, with arginine, which is basic and polar, at codon 287 of the EXOC6B protein (p.Gln287Arg).

NM_015189.3(EXOC6B):c.860A>G (p.Gln287Arg)

Gene: EXOC6B (exocyst complex component 6B; minus strand). Cytogenetic location: 2p13.2.
Variant type: single nucleotide variant.
Coding change: c.860A>G on transcript NM_015189.3 (MANE Select); coding-DNA position 860, A replaced by G.
Protein change: p.Gln287Arg; replaces glutamine 287 with arginine.
Molecular consequence: missense variant. On other transcripts: non-coding transcript variant (2).
Genome position (GRCh38, 1-based): chr2:72,559,508, T>C on the plus strand (A>G on the coding strand, the complement: EXOC6B is on the minus strand). VCF-style: chr2-72559508-T-C. GRCh37 (hg19) VCF-style: chr2-72786637-T-C.
Other names: c.860A>G, p.Gln287Arg (NM_001321729.2, NM_001321730.2, NM_001321731.2 and 1 more transcripts); c.521A>G, p.Gln174Arg (NM_001321734.2); short protein forms Q174R, Q287R.
Identifiers: ClinVar variation 2088245 (VCV002088245.5), dbSNP rs772294394, ClinGen allele CA1708626.